The following is an entry in ClinVar:

NM_014391.3(ANKRD1):c.919A>G (p.Arg307Gly)

Gene: ANKRD1 (ankyrin repeat domain 1; minus strand). Cytogenetic location: 10q23.31.
Variant type: single nucleotide variant.
Coding change: c.919A>G on transcript NM_014391.3 (MANE Select); coding-DNA position 919, A replaced by G.
Protein change: p.Arg307Gly; replaces arginine 307 with glycine.
Molecular consequence: missense variant.
Genome position (GRCh38, 1-based): chr10:90,912,907, T>C on the plus strand (A>G on the coding strand, the complement: ANKRD1 is on the minus strand). VCF-style: chr10-90912907-T-C. GRCh37 (hg19) VCF-style: chr10-92672664-T-C.
Other names: short protein forms R307G.
Identifiers: ClinVar variation 4613615 (VCV004613615.1).

ClinVar aggregate classification (germline): Uncertain significance (1 of 4 stars; one submission).

Conditions:
Cardiovascular phenotype. Identifiers: MedGen CN230736.

Submission:

Ambry Genetics
Classification: Uncertain significance for Cardiovascular phenotype. Last evaluated: 2025-11-16. Review status: criteria provided, single submitter. Criteria: Ambry Variant Classification Scheme 2023. Collection method: clinical testing. Allele origin: germline.
Comment: The p.R307G variant (also known as c.919A>G), located in coding exon 9 of the ANKRD1 gene, results from an A to G substitution at nucleotide position 919. The arginine at codon 307 is replaced by glycine, an amino acid with dissimilar properties. This amino acid position is conserved. In addition, this alteration is predicted to be tolerated by in silico analysis. Based on the available evidence, the clinical significance of this variant remains unclear.